The following is an entry in ClinVar:

NM_000395.3(CSF2RB):c.2531C>T (p.Pro844Leu)

Gene: CSF2RB (colony stimulating factor 2 receptor subunit beta; plus strand). Cytogenetic location: 22q12.3.
Variant type: single nucleotide variant.
Coding change: c.2531C>T on transcript NM_000395.3 (MANE Select); coding-DNA position 2531, C replaced by T.
Protein change: p.Pro844Leu; replaces proline 844 with leucine.
Molecular consequence: missense variant.
Genome position (GRCh38, 1-based): chr22:36,938,339, C>T. VCF-style: chr22-36938339-C-T. GRCh37 (hg19) VCF-style: chr22-37334381-C-T.
Other names: c.2549C>T, p.Pro850Leu (NM_001410827.1); short protein forms P850L, P844L.
Identifiers: ClinVar variation 2149532 (VCV002149532.4), dbSNP rs143702277, ClinGen allele CA10214150.

ClinVar aggregate classification (germline): Uncertain significance (1 of 4 stars; one submission).

Allele frequency attached by ClinVar (database versions not stated): gnomAD exomes below 0.00001; ExAC 0.00002; gnomAD 0.00007; ESP Exome Variant Server 0.00008; TOPMed 0.00008.

Submission:

Labcorp Genetics (formerly Invitae), Labcorp
Classification: Uncertain significance. Last evaluated: 2025-10-01. Review status: criteria provided, single submitter. Criteria: Invitae Variant Classification Sherloc (09022015). Collection method: clinical testing. Allele origin: germline.
Comment: This sequence change replaces proline, which is neutral and non-polar, with leucine, which is neutral and non-polar, at codon 844 of the CSF2RB protein (p.Pro844Leu). This variant is present in population databases (rs143702277, gnomAD 0.02%). This variant has not been reported in the literature in individuals affected with CSF2RB-related conditions. ClinVar contains an entry for this variant (Variation ID: 2149532). Invitae Evidence Modeling of protein sequence and biophysical properties (such as structural, functional, and spatial information, amino acid conservation, physicochemical variation, residue mobility, and thermodynamic stability) indicates that this missense variant is not expected to disrupt CSF2RB protein function with a negative predictive value of 80%. In summary, the available evidence is currently insufficient to determine the role of this variant in disease. Therefore, it has been classified as a Variant of Uncertain Significance.